The following is an entry in ClinVar:

ClinVar aggregate classification (germline): Benign/Likely benign. Review status: criteria provided, multiple submitters, no conflicts (2 of 4 stars). 4 submissions from 4 submitters: Benign (1); Likely benign (3). Last evaluated 2026-06-23.

Conditions:
Hereditary cancer-predisposing syndrome. Also called: Hereditary Cancer Syndrome; Hereditary neoplastic syndrome; Neoplastic Syndromes, Hereditary; Tumor predisposition. Identifiers: Orphanet 140162, MedGen C0027672, MeSH D009386, MONDO:0015356.
Retinoblastoma (RB1). Also called: RETINOBLASTOMA, SOMATIC. Identifiers: Orphanet 790, MedGen C0035335, MeSH D012175, MONDO:0008380, OMIM 180200, HP:0009919. Disease mechanism: loss of function. Inheritance: Both sporadic and heritable forms are tested..

Allele frequency attached by ClinVar (database versions not stated): TOPMed 0.00001; gnomAD exomes below 0.00001.
gnomAD v4.1: 6 of 1,511,694 alleles (0.0004%); highest among the groups gnomAD compares: Admixed American, 0.002%; no homozygotes.

Submissions (4):

Myriad Genetics, Inc.
Classification: Benign for Retinoblastoma. Last evaluated: 2026-06-23. Review status: criteria provided, single submitter. Criteria: Myriad Autosomal Dominant, Autosomal Recessive and X-Linked Classification Criteria (2023). Collection method: clinical testing. Allele origin: unknown.
Comment: This variant is considered benign. This variant is a silent/synonymous amino acid change and it is not expected to impact splicing.

Labcorp Genetics (formerly Invitae), Labcorp
Classification: Likely benign for Retinoblastoma. Last evaluated: 2025-12-10. Review status: criteria provided, single submitter. Criteria: Invitae Variant Classification Sherloc (09022015). Collection method: clinical testing. Allele origin: germline.

All of Us Research Program, National Institutes of Health
Classification: Likely benign for Retinoblastoma. Last evaluated: 2023-10-23. Review status: criteria provided, single submitter. Criteria: ACMG Guidelines, 2015. Collection method: clinical testing. Allele origin: germline. Inheritance: Autosomal dominant inheritance. Observed: 3 variant alleles, 3 heterozygotes.
Comment: This study involves interpretation of variants in research participants for the purpose of population health screening. Participant phenotype was not available at the time of variant classification. Additional details can be found in publication PMID: 35346344, PMCID: PMC8962531

Ambry Genetics
Classification: Likely benign for Hereditary cancer-predisposing syndrome. Last evaluated: 2018-10-11. Review status: criteria provided, single submitter. Criteria: Ambry Variant Classification Scheme 2023. Collection method: clinical testing. Allele origin: germline.

NM_000321.3(RB1):c.18C>T (p.Pro6=)

Gene: RB1 (RB transcriptional corepressor 1; plus strand). Cytogenetic location: 13q14.2.
Variant type: single nucleotide variant.
Coding change: c.18C>T on transcript NM_000321.3 (MANE Select); coding-DNA position 18, C replaced by T.
Protein change: p.Pro6=; no amino-acid change (proline 6 retained).
Molecular consequence: synonymous variant.
Genome position (GRCh38, 1-based): chr13:48,303,930, C>T. VCF-style: chr13-48303930-C-T. GRCh37 (hg19) VCF-style: chr13-48878066-C-T.
Identifiers: ClinVar variation 706912 (VCV000706912.17), dbSNP rs1017683562, ClinGen allele CA249842022.